The following is an entry in ClinVar:

ClinVar aggregate classification (germline): Likely benign. Review status: criteria provided, single submitter (1 of 4 stars). 2 submissions from 2 submitters: Likely benign (1). 1 of the submissions does not count toward it. Last evaluated 2026-02-01.

Conditions:
PI4KA-related disorder. Also called: PI4KA-related condition; PI4KA-related disorders. Identifiers: MedGen CN378147, MONDO:1040012.

Submissions (2):

CeGaT Center for Human Genetics Tuebingen
Classification: Likely benign. Last evaluated: 2026-02-01. Review status: criteria provided, single submitter. Criteria: CeGaT Center For Human Genetics Tuebingen Variant Classification Criteria Version 2. Collection method: clinical testing. Allele origin: germline. Affected: yes. Observed: 1 variant allele.
Comment: PI4KA: BS2

PreventionGenetics, part of Exact Sciences
Classification: Likely benign for PI4KA-related condition. Last evaluated: 2024-07-27. Review status: no assertion criteria provided. Collection method: clinical testing. Allele origin: germline. Not counted in ClinVar's aggregate classification.
Comment: This variant is classified as likely benign based on ACMG/AMP sequence variant interpretation guidelines (Richards et al. 2015 PMID: 25741868, with internal and published modifications).

NM_058004.4(PI4KA):c.24AGGCGG[2] (p.Gly15_Gly18del)

Gene: PI4KA (phosphatidylinositol 4-kinase alpha; minus strand). Cytogenetic location: 22q11.21.
Variant type: Microsatellite.
Coding change: c.24AGGCGG[2] on transcript NM_058004.4 (MANE Select); two copies in a row of the 6-base unit AGGCGG starting at c.24; the reference has four copies in a row; two copies, 12 bases deleted.
Protein change: p.Gly15_Gly18del.
Molecular consequence: inframe deletion.
Genome position (GRCh38, 1-based): chr22:20,858,679-20,858,690, CCGCCTCCGCCT deleted on the plus strand (AGGCGGAGGCGG on the coding strand, the reverse complement: PI4KA is on the minus strand); deleting any 12 consecutive bases within chr22:20,858,679-20,858,704 gives the same sequence; the position shown is the placement nearest the transcript's 3' end. VCF-style (leftmost placement, unchanged base first): chr22-20858678-GCCGCCTCCGCCT-G. GRCh37 (hg19) VCF-style: chr22-21212966-GCCGCCTCCGCCT-G.
Other names: c.24AGGCGG[2], p.Gly15_Gly18del (NM_001362862.2, NM_001362863.2).
Identifiers: ClinVar variation 3348411 (VCV003348411.5).